The following is an entry in ClinVar:

NM_053025.4(MYLK):c.2105G>A (p.Gly702Glu)

Gene: MYLK (myosin light chain kinase; minus strand). Cytogenetic location: 3q21.1.
Variant type: single nucleotide variant.
Coding change: c.2105G>A on transcript NM_053025.4 (MANE Select); coding-DNA position 2105, G replaced by A.
Protein change: p.Gly702Glu; replaces glycine 702 with glutamic acid.
Molecular consequence: missense variant.
Genome position (GRCh38, 1-based): chr3:123,708,733, C>T on the plus strand (G>A on the coding strand, the complement: MYLK is on the minus strand). VCF-style: chr3-123708733-C-T. GRCh37 (hg19) VCF-style: chr3-123427580-C-T.
Other names: c.1577G>A, p.Gly526Glu (NM_001321309.2); c.1898G>A, p.Gly633Glu (NM_053026.4, NM_053028.4); c.2105G>A, p.Gly702Glu (NM_053027.4); short protein forms G526E, G633E, G702E.
Identifiers: ClinVar variation 1329331 (VCV001329331.4), dbSNP rs759950113, ClinGen allele CA068073.

ClinVar aggregate classification (germline): Uncertain significance. Review status: criteria provided, multiple submitters, no conflicts (2 of 4 stars). 3 submissions from 3 submitters: Uncertain significance (3). Last evaluated 2024-02-24.

Conditions:
Familial thoracic aortic aneurysm and aortic dissection (TAAD). Also called: Thoracic aortic aneurysms and dissections. Identifiers: Orphanet 91387, MedGen C4707243, MONDO:0019625.

Allele frequency attached by ClinVar (database versions not stated): gnomAD exomes below 0.00001; gnomAD 0.00001; TOPMed 0.00001; ExAC 0.00002.
gnomAD v4.1: 2 of 1,614,040 alleles (0.00012%); highest among the groups gnomAD compares: African/African-American, 0.0027%; no homozygotes.

Submissions (3):

Ambry Genetics
Classification: Uncertain significance for Familial thoracic aortic aneurysm and aortic dissection. Last evaluated: 2024-02-24. Review status: criteria provided, single submitter. Criteria: Ambry Variant Classification Scheme 2023. Collection method: clinical testing. Allele origin: germline.
Comment: The p.G702E variant (also known as c.2105G>A), located in coding exon 12 of the MYLK gene, results from a G to A substitution at nucleotide position 2105. The glycine at codon 702 is replaced by glutamic acid, an amino acid with similar properties. This amino acid position is conserved. In addition, this alteration is predicted to be deleterious by in silico analysis. Based on the available evidence, the clinical significance of this alteration remains unclear.

GeneDx
Classification: Uncertain significance. Last evaluated: 2024-02-01. Review status: criteria provided, single submitter. Criteria: GeneDx Variant Classification Process June 2021. Collection method: clinical testing. Allele origin: germline. Affected: yes.
Comment: Has not been previously published as pathogenic or benign to our knowledge; Not observed at significant frequency in large population cohorts (gnomAD); In silico analysis supports that this missense variant has a deleterious effect on protein structure/function

CHEO Genetics Diagnostic Laboratory, Children's Hospital of Eastern Ontario
Classification: Uncertain significance for Familial thoracic aortic aneurysm and aortic dissection. Last evaluated: 2019-07-22. Review status: criteria provided, single submitter. Criteria: ACMG Guidelines, 2015. Collection method: clinical testing. Allele origin: germline.